The following is an entry in ClinVar:

NM_032782.5(HAVCR2):c.404C>G (p.Thr135Ser)

Gene: HAVCR2 (hepatitis A virus cellular receptor 2; minus strand). Cytogenetic location: 5q33.3.
Variant type: single nucleotide variant.
Coding change: c.404C>G on transcript NM_032782.5 (MANE Select); coding-DNA position 404, C replaced by G.
Protein change: p.Thr135Ser; replaces threonine 135 with serine.
Molecular consequence: missense variant.
Genome position (GRCh38, 1-based): chr5:157,104,740, G>C on the plus strand (C>G on the coding strand, the complement: HAVCR2 is on the minus strand). VCF-style: chr5-157104740-G-C. GRCh37 (hg19) VCF-style: chr5-156531751-G-C.
Other names: p.Thr135Ser; short protein forms T135S.
Identifiers: ClinVar variation 3379616 (VCV003379616.1).

ClinVar aggregate classification (germline): Uncertain significance (1 of 4 stars; one submission).

Submission:

Mayo Clinic Laboratories, Mayo Clinic
Classification: Uncertain significance. Last evaluated: 2024-07-08. Review status: criteria provided, single submitter. Criteria: ACMG Guidelines, 2015. Collection method: clinical testing. Allele origin: germline. Observed: 1 variant allele.
Comment: BP4, PM2